The following is an entry in ClinVar:

NM_001165963.4(SCN1A):c.238C>A (p.Leu80Met)

Gene: SCN1A (sodium voltage-gated channel alpha subunit 1; minus strand). Cytogenetic location: 2q24.3.
Variant type: single nucleotide variant.
Coding change: c.238C>A on transcript NM_001165963.4 (MANE Select); coding-DNA position 238, C replaced by A.
Protein change: p.Leu80Met; replaces leucine 80 with methionine.
Molecular consequence: missense variant. On other transcripts: 5 prime UTR variant (1), non-coding transcript variant (1).
Genome position (GRCh38, 1-based): chr2:166,073,384, G>T on the plus strand (C>A on the coding strand, the complement: SCN1A is on the minus strand). VCF-style: chr2-166073384-G-T. GRCh37 (hg19) VCF-style: chr2-166929894-G-T.
Other names: c.238C>A, p.Leu80Met (NM_001353960.2, NM_006920.6, NM_001165964.3 and 10 more transcripts); c.-2188C>A (NM_001353961.2); short protein forms L80M.
Identifiers: ClinVar variation 3775374 (VCV003775374.1).

ClinVar aggregate classification (germline): Uncertain significance (1 of 4 stars; one submission).

Conditions:
Severe myoclonic epilepsy in infancy (DRVT). Also called: Dravet syndrome; Epileptic encephalopathy, early infantile, 6 (Dravet syndrome); SEVERE MYOCLONIC EPILEPSY OF INFANCY; DEVELOPMENTAL AND EPILEPTIC ENCEPHALOPATHY 6A; Severe Myoclonic Epilepsy in Infancy (SMEI). Identifiers: Orphanet 33069, MedGen C0751122, MONDO:0100135, OMIM 607208.

Submission:

3billion
Classification: Uncertain significance for Severe myoclonic epilepsy in infancy. Last evaluated: 2023-12-26. Review status: criteria provided, single submitter. Criteria: ACMG Guidelines, 2015. Collection method: clinical testing. Allele origin: germline. Affected: yes.
Comment: The variant is not observed in the gnomAD v2.1.1 dataset. Predicted Consequence/Location: Missense variant In silico tool predictions suggest damaging effect of the variant on gene or gene product [3Cnet: 0.79 (>=0.6, sensitivity 0.72 and precision 0.9)]. Therefore, this variant is classified as VUS according to the recommendation of ACMG/AMP guideline.